The following is an entry in ClinVar:

ClinVar aggregate classification (germline): Likely benign. Review status: criteria provided, single submitter (1 of 4 stars). 2 submissions from 2 submitters: Likely benign (1). 1 of the submissions does not count toward it. Last evaluated 2026-01-01.

Conditions:
NSRP1-related disorder. Also called: NSRP1-related condition.

Allele frequency attached by ClinVar (database versions not stated): ESP Exome Variant Server 0.00177; gnomAD 0.00185; 1000 Genomes Project 0.00080; 1000 Genomes Project 30x 0.00094; ExAC 0.00188; TOPMed 0.00204; gnomAD exomes 0.00301.
gnomAD v4.1: 4,661 of 1,607,860 alleles (0.29%); highest among the groups gnomAD compares: Non-Finnish European, 0.36%; 11 homozygotes.

Submissions (2):

CeGaT Center for Human Genetics Tuebingen
Classification: Likely benign. Last evaluated: 2026-01-01. Review status: criteria provided, single submitter. Criteria: CeGaT Center For Human Genetics Tuebingen Variant Classification Criteria Version 2. Collection method: clinical testing. Allele origin: germline. Affected: yes. Observed: 3 variant alleles.
Comment: NSRP1: BP4

PreventionGenetics, part of Exact Sciences
Classification: Likely benign for NSRP1-related condition. Last evaluated: 2022-03-18. Review status: no assertion criteria provided. Collection method: clinical testing. Allele origin: germline. Not counted in ClinVar's aggregate classification.
Comment: This variant is classified as likely benign based on ACMG/AMP sequence variant interpretation guidelines (Richards et al. 2015 PMID: 25741868, with internal and published modifications).

NM_032141.4(NSRP1):c.250A>G (p.Lys84Glu)

Gene: NSRP1 (nuclear speckle splicing regulatory protein 1; plus strand). Cytogenetic location: 17q11.2.
Variant type: single nucleotide variant.
Coding change: c.250A>G on transcript NM_032141.4 (MANE Select); coding-DNA position 250, A replaced by G.
Protein change: p.Lys84Glu; replaces lysine 84 with glutamic acid.
Molecular consequence: missense variant.
Genome position (GRCh38, 1-based): chr17:30,178,149, A>G. VCF-style: chr17-30178149-A-G. GRCh37 (hg19) VCF-style: chr17-28505167-A-G.
Other names: c.88A>G, p.Lys30Glu (NM_001261467.2); short protein forms K30E, K84E.
Identifiers: ClinVar variation 3052334 (VCV003052334.19), dbSNP rs143842750, ClinGen allele CA8479713.